The following is an entry in ClinVar:

ClinVar aggregate classification (germline): Pathogenic (1 of 4 stars; one submission).

Conditions:
Hereditary breast ovarian cancer syndrome. Also called: Hereditary breast and/or ovarian cancer syndrome; Hereditary breast and ovarian cancer syndrome (HBOC); Breast and ovarian cancer; Hereditary breast and ovarian cancer syndrome; Hereditary breast and ovarian cancer; BRCA1- and BRCA2-Associated Hereditary Breast and Ovarian Cancer. Identifiers: Orphanet 145, MedGen C0677776, MeSH D061325, MONDO:0003582. Disease mechanism: loss of function.

Submission:

Labcorp Genetics (formerly Invitae), Labcorp
Classification: Pathogenic for Hereditary breast ovarian cancer syndrome. Last evaluated: 2024-01-04. Review status: criteria provided, single submitter. Criteria: Invitae Variant Classification Sherloc (09022015). Collection method: clinical testing. Allele origin: germline.
Comment: This sequence change creates a premature translational stop signal (p.Ser1187*) in the BRCA1 gene. It is expected to result in an absent or disrupted protein product. Loss-of-function variants in BRCA1 are known to be pathogenic (PMID: 20104584). This variant is not present in population databases (gnomAD no frequency). This variant has not been reported in the literature in individuals affected with BRCA1-related conditions. For these reasons, this variant has been classified as Pathogenic.

Literature cited by the submitters: PubMed 20104584.

NM_007294.4(BRCA1):c.3558dup (p.Ser1187Ter)

Genes: BRCA1 (BRCA1 DNA repair associated; minus strand), LOC126862571 (BRD4-independent group 4 enhancer GRCh37_chr17:41243136-41244335; plus strand). Cytogenetic location: 17q21.31.
Variant type: Duplication.
Coding change: c.3558dup on transcript NM_007294.4 (MANE Select); coding-DNA position 3558, one base duplicated (T; older notation c.3558dupT).
Protein change: p.Ser1187Ter; replaces serine 1187 with a stop codon.
Molecular consequence: nonsense. On other transcripts: intron variant (135).
Genome position (GRCh38, 1-based): chr17:43,091,973, A duplicated on the plus strand (T on the coding strand, the reverse complement: BRCA1 is on the minus strand); the first of 2 consecutive A bases (chr17:43,091,973-43,091,974); duplicating either gives the same sequence. VCF-style (leftmost placement, unchanged base first): chr17-43091972-T-TA. GRCh37 (hg19) VCF-style: chr17-41243989-T-TA.
Other names: c.3414dup, p.Ser1139Ter (NM_001407743.1, NM_001407744.1, NM_001407745.1 and 20 more transcripts); c.3417dup, p.Ser1140Ter (NM_001407750.1, NM_001407751.1, NM_001407752.1 and 29 more transcripts); c.3345dup, p.Ser1116Ter (NM_001407853.1, NM_001407894.1, NM_001407895.1 and 9 more transcripts); c.3558dup, p.Ser1187Ter (NM_001407854.1, NM_001407858.1, NM_001407859.1 and 30 more transcripts); c.3555dup, p.Ser1186Ter (NM_001407860.1, NM_001407861.1, NM_001407587.1 and 22 more transcripts); c.3357dup, p.Ser1120Ter (NM_001407862.1); c.3435dup, p.Ser1146Ter (NM_001407863.1, NM_001407919.1, NM_001407937.1 and 19 more transcripts); c.3354dup, p.Ser1119Ter (NM_001407874.1, NM_001407875.1); and 41 more; short protein forms S1019*, S1060*, S1099*, S1119*, S1120*, S1140*, S1145*, S1187*.
Identifiers: ClinVar variation 2707429 (VCV002707429.3), dbSNP rs2552144940, ClinGen allele CA2697559869.
Genomic context (GRCh38, chr17:43,091,972, plus strand): 5'-TGGCCCCTCTTCGGTAACCCTGAGCCAAATGTGTATGGGTGAAAGGGCTAGGACTCCTGC[T>TA]AAGCTCTCCTTTCTGGACGCTTTTGCTAAAAACAGCAGAACTTTCCTTAATGTCATTTTC-3'